The following is an entry in ClinVar:

ClinVar aggregate classification (germline): Benign (1 of 4 stars; one submission).

gnomAD v4.1: 2,304 of 1,613,972 alleles (0.14%); highest among the groups gnomAD compares: African/African-American, 2.5%; 36 homozygotes.

Submissions (6):

Women's Health and Genetics/Laboratory Corporation of America, LabCorp
Classification: Benign. Last evaluated: 2026-02-11. Review status: criteria provided, single submitter. Criteria: LabCorp Variant Classification Summary - May 2015. Collection method: clinical testing. Allele origin: germline.
Comment: Variant summary: MAN2B2 c.2370+15C>G alters a non-conserved nucleotide located at a position not widely known to affect splicing. Several computational tools predict a significant impact on normal splicing: 5 predict the variant strengthens a cryptic 5' donor site. However, these predictions have yet to be confirmed by functional studies. The variant allele was found at a frequency of 0.0014 in 1607000 control chromosomes, predominantly at a frequency of 0.025 within the African or African-American subpopulation in the gnomAD database, including 34 homozygotes. The observed variant frequency within African or African-American control individuals in the gnomAD database exceeds the estimated maximal expected allele frequency for disease-causing variants in MAN2B2. To our knowledge, no occurrence of c.2370+15C>G in individuals affected with MAN2B2-related conditions and no experimental evidence demonstrating its impact on protein function have been reported. No submitters have cited clinical-significance assessments for this variant to ClinVar. Based on the evidence outlined above, the variant was classified as benign.

Dr. Peter K. Rogan Lab, Western University
No classification provided (evidence only). Condition: Lung cancer. Review status: no classification provided. Collection method: in vitro. Allele origin: not applicable. Functional consequence: retained intron. Not counted in ClinVar's aggregate classification.

Dr. Peter K. Rogan Lab, Western University
No classification provided (evidence only). Condition: Cervical cancer. Review status: no classification provided. Collection method: in vitro. Allele origin: not applicable. Functional consequence: retained intron. Not counted in ClinVar's aggregate classification.

Dr. Peter K. Rogan Lab, Western University
No classification provided (evidence only). Condition: Sarcoma. Review status: no classification provided. Collection method: in vitro. Allele origin: not applicable. Functional consequence: retained intron. Not counted in ClinVar's aggregate classification.

Dr. Peter K. Rogan Lab, Western University
No classification provided (evidence only). Condition: Ovarian serous cystadenocarcinoma. Review status: no classification provided. Collection method: in vitro. Allele origin: not applicable. Functional consequence: retained intron. Not counted in ClinVar's aggregate classification.

Dr. Peter K. Rogan Lab, Western University
No classification provided (evidence only). Condition: Uveal melanoma. Review status: no classification provided. Collection method: in vitro. Allele origin: not applicable. Functional consequence: retained intron. Not counted in ClinVar's aggregate classification.

NM_015274.3(MAN2B2):c.2370+15C>G

Gene: MAN2B2 (mannosidase alpha class 2B member 2; plus strand). Cytogenetic location: 4p16.1.
Variant type: single nucleotide variant.
Coding change: c.2370+15C>G on transcript NM_015274.3 (MANE Select); 15 bases into the intron after coding-DNA position 2370, C replaced by G.
Molecular consequence: intron variant.
Genome position (GRCh38, 1-based): chr4:6,611,005, C>G. VCF-style: chr4-6611005-C-G. GRCh37 (hg19) VCF-style: chr4-6612732-C-G.
Other names: NC_000004.11:g.6612732C>G; c.2217+15C>G (NM_001292038.2).
Identifiers: ClinVar variation 4307000 (VCV004307000.2).